The following is an entry in ClinVar:

ClinVar aggregate classification (germline): Conflicting classifications of pathogenicity. Review status: criteria provided, conflicting classifications (1 of 4 stars). 3 submissions from 3 submitters: Uncertain significance (2); Benign (1). Last evaluated 2025-12-19.

Conditions:
Adams-Oliver syndrome 5 (AOS5). Identifiers: Orphanet 974, MedGen C4014970, MONDO:0014459, OMIM 616028.
Familial thoracic aortic aneurysm and aortic dissection (TAAD). Also called: Thoracic aortic aneurysms and dissections. Identifiers: Orphanet 91387, MedGen C4707243, MONDO:0019625.

Allele frequency attached by ClinVar (database versions not stated): gnomAD 0.00001; gnomAD exomes 0.00001; TOPMed 0.00001.
gnomAD v4.1: 11 of 1,612,402 alleles (0.00068%); highest among the groups gnomAD compares: East Asian, 0.0022%; no homozygotes.

Submissions (3):

Labcorp Genetics (formerly Invitae), Labcorp
Classification: Benign for Adams-Oliver syndrome 5. Last evaluated: 2025-12-19. Review status: criteria provided, single submitter. Criteria: Invitae Variant Classification Sherloc (09022015). Collection method: clinical testing. Allele origin: germline.

GeneDx
Classification: Uncertain significance. Last evaluated: 2024-12-02. Review status: criteria provided, single submitter. Criteria: GeneDx Variant Classification Process June 2021. Collection method: clinical testing. Allele origin: germline. Affected: yes.
Comment: Not observed at significant frequency in large population cohorts (gnomAD); In silico analysis supports that this missense variant has a deleterious effect on protein structure/function; Has not been previously published as pathogenic or benign to our knowledge

Ambry Genetics
Classification: Uncertain significance for Familial thoracic aortic aneurysm and aortic dissection. Last evaluated: 2022-11-17. Review status: criteria provided, single submitter. Criteria: Ambry Variant Classification Scheme 2023. Collection method: clinical testing. Allele origin: germline.
Comment: The p.C2168Y variant (also known as c.6503G>A), located in coding exon 34 of the NOTCH1 gene, results from a G to A substitution at nucleotide position 6503. The cysteine at codon 2168 is replaced by tyrosine, an amino acid with highly dissimilar properties. This amino acid position is conserved. In addition, the in silico prediction for this alteration is inconclusive. Since supporting evidence is limited at this time, the clinical significance of this alteration remains unclear.

NM_017617.5(NOTCH1):c.6503G>A (p.Cys2168Tyr)

Gene: NOTCH1 (notch receptor 1; minus strand). Cytogenetic location: 9q34.3.
Variant type: single nucleotide variant.
Coding change: c.6503G>A on transcript NM_017617.5 (MANE Select); coding-DNA position 6503, G replaced by A.
Protein change: p.Cys2168Tyr; replaces cysteine 2168 with tyrosine.
Molecular consequence: missense variant.
Genome position (GRCh38, 1-based): chr9:136,497,236, C>T on the plus strand (G>A on the coding strand, the complement: NOTCH1 is on the minus strand). VCF-style: chr9-136497236-C-T. GRCh37 (hg19) VCF-style: chr9-139391688-C-T.
Other names: c.6503G>A, p.Cys2168Tyr (LRG_1122t1); short protein forms C2168Y.
Identifiers: ClinVar variation 477960 (VCV000477960.13), dbSNP rs1055326153, ClinGen allele CA201633926.